The following is an entry in ClinVar:

NM_000271.5(NPC1):c.3323C>T (p.Ala1108Val)

Gene: NPC1 (NPC intracellular cholesterol transporter 1; minus strand). Cytogenetic location: 18q11.2.
Variant type: single nucleotide variant.
Coding change: c.3323C>T on transcript NM_000271.5 (MANE Select); coding-DNA position 3323, C replaced by T.
Protein change: p.Ala1108Val; replaces alanine 1108 with valine.
Molecular consequence: missense variant.
Genome position (GRCh38, 1-based): chr18:23,535,623, G>A on the plus strand (C>T on the coding strand, the complement: NPC1 is on the minus strand). VCF-style: chr18-23535623-G-A. GRCh37 (hg19) VCF-style: chr18-21115587-G-A.
Other names: short protein forms A1108V.
Identifiers: ClinVar variation 2060360 (VCV002060360.3), dbSNP rs765146280, ClinGen allele CA8912797.

ClinVar aggregate classification (germline): Uncertain significance. Review status: criteria provided, multiple submitters, no conflicts (2 of 4 stars). 3 submissions from 3 submitters: Uncertain significance (3). Last evaluated 2024-01-30.

Conditions:
Inborn genetic diseases. Identifiers: MedGen C0950123, MeSH D030342.
Niemann-Pick disease, type C1. Also called: NIEMANN-PICK DISEASE, VARIANT TYPE C1; NEUROVISCERAL STORAGE DISEASE WITH VERTICAL SUPRANUCLEAR OPHTHALMOPLEGIA; NIEMANN-PICK DISEASE WITH CHOLESTEROL ESTERIFICATION BLOCK; NIEMANN-PICK DISEASE WITHOUT SPHINGOMYELINASE DEFICIENCY; NIEMANN-PICK DISEASE, CHRONIC NEURONOPATHIC FORM. Identifiers: Orphanet 646, MedGen C3179455, MONDO:0009757, OMIM 257220.

Allele frequency attached by ClinVar (database versions not stated): ExAC 0.00001; TOPMed 0.00001; gnomAD exomes 0.00002.

Submissions (3):

Women's Health and Genetics/Laboratory Corporation of America, LabCorp
Classification: Uncertain significance. Last evaluated: 2024-01-30. Review status: criteria provided, single submitter. Criteria: LabCorp Variant Classification Summary - May 2015. Collection method: clinical testing. Allele origin: germline.
Comment: Variant summary: NPC1 c.3323C>T (p.Ala1108Val) results in a non-conservative amino acid change in the encoded protein sequence. Three of five in-silico tools predict a damaging effect of the variant on protein function. The variant allele was found at a frequency of 8e-06 in 251468 control chromosomes. The available data on variant occurrences in the general population are insufficient to allow any conclusion about variant significance. c.3323C>T has been reported in the literature in at-least one individual affected with Autism spectrum disorder (example: Zhou_2022). This report does not provide unequivocal conclusions about association of the variant with Niemann-Pick Disease Type C. To our knowledge, no experimental evidence demonstrating an impact on protein function has been reported. The following publication has been ascertained in the context of this evaluation (PMID: 35982159). ClinVar contains an entry for this variant (Variation ID: 2060360). Based on the evidence outlined above, the variant was classified as uncertain significance.

Labcorp Genetics (formerly Invitae), Labcorp
Classification: Uncertain significance for Niemann-Pick disease, type C1. Last evaluated: 2022-10-01. Review status: criteria provided, single submitter. Criteria: Invitae Variant Classification Sherloc (09022015). Collection method: clinical testing. Allele origin: germline.
Comment: This sequence change replaces alanine, which is neutral and non-polar, with valine, which is neutral and non-polar, at codon 1108 of the NPC1 protein (p.Ala1108Val). This variant is present in population databases (rs765146280, gnomAD 0.004%). This variant has not been reported in the literature in individuals affected with NPC1-related conditions. Advanced modeling of protein sequence and biophysical properties (such as structural, functional, and spatial information, amino acid conservation, physicochemical variation, residue mobility, and thermodynamic stability) has been performed at Invitae for this missense variant, however the output from this modeling did not meet the statistical confidence thresholds required to predict the impact of this variant on NPC1 protein function. In summary, the available evidence is currently insufficient to determine the role of this variant in disease. Therefore, it has been classified as a Variant of Uncertain Significance.

Ambry Genetics
Classification: Uncertain significance for Inborn genetic diseases. Last evaluated: 2022-03-03. Review status: criteria provided, single submitter. Criteria: Ambry Variant Classification Scheme 2023. Collection method: clinical testing. Allele origin: germline.

Literature cited by the submitters: PubMed 35982159 (cited by Women's Health and Genetics/Laboratory Corporation of America, LabCorp).